The following is an entry in ClinVar:

NM_005765.3(ATP6AP2):c.535-14dup

Gene: ATP6AP2 (ATPase H+ transporting accessory protein 2; plus strand). Cytogenetic location: Xp11.4.
Variant type: Duplication.
Coding change: c.535-14dup on transcript NM_005765.3 (MANE Select); 14 bases into the intron before coding-DNA position 535, one base duplicated (T; older notation c.535-14dupT).
Molecular consequence: intron variant.
Genome position (GRCh38, 1-based): chrX:40,598,667, T duplicated; the last of 9 consecutive T bases (chrX:40,598,659-40,598,667); duplicating any one gives the same sequence. VCF-style (leftmost placement, unchanged base first): chrX-40598658-C-CT. GRCh37 (hg19) VCF-style: chrX-40457910-C-CT.
Other names: c.535-14dupT (NM_005765.2).
Identifiers: ClinVar variation 418593 (VCV000418593.1), dbSNP rs759090833, ClinGen allele CA10387235.

ClinVar aggregate classification (germline): Likely benign (1 of 4 stars; one submission).

Submission:

GeneDx
Classification: Likely benign. Last evaluated: 2017-10-03. Review status: criteria provided, single submitter. Criteria: GeneDx Variant Classification (06012015). Collection method: clinical testing. Allele origin: germline. Affected: yes.
Comment: This variant is considered likely benign or benign based on one or more of the following criteria: it is a conservative change, it occurs at a poorly conserved position in the protein, it is predicted to be benign by multiple in silico algorithms, and/or has population frequency not consistent with disease.